The following is an entry in ClinVar:

NM_000439.5(PCSK1):c.181-5del

Genes: CAST (calpastatin; plus strand), PCSK1 (proprotein convertase subtilisin/kexin type 1; minus strand), LOC101929710 (uncharacterized LOC101929710; plus strand). Cytogenetic location: 5q15.
Variant type: Deletion.
Coding change: c.181-5del on transcript NM_000439.5 (MANE Select); 5 bases into the intron before coding-DNA position 181, one base deleted (T; older notation c.181-5delT).
Molecular consequence: intron variant.
Genome position (GRCh38, 1-based): chr5:96,429,322, A deleted on the plus strand (T on the coding strand, the reverse complement: PCSK1 is on the minus strand); the first of 4 consecutive A bases (chr5:96,429,322-96,429,325); deleting any one gives the same sequence. VCF-style (leftmost placement, unchanged base first): chr5-96429321-TA-T. GRCh37 (hg19) VCF-style: chr5-95765025-TA-T.
Other names: c.-175+49673del (NM_001423254.1, NM_001423259.1, NM_001423255.1 and 6 more transcripts); c.-103+49673del (NM_001423253.1); c.-40+49673del (NM_001423258.1); c.40-5del (NM_001177875.2).
Identifiers: ClinVar variation 3349212 (VCV003349212.1).

ClinVar aggregate classification (germline): Likely benign (0 of 4 stars; one submission).

Conditions:
PCSK1-related disorder. Also called: PCSK1-related condition.

Submission:

PreventionGenetics, part of Exact Sciences
Classification: Likely benign for PCSK1-related condition. Last evaluated: 2024-08-14. Review status: no assertion criteria provided. Collection method: clinical testing. Allele origin: germline.
Comment: This variant is classified as likely benign based on ACMG/AMP sequence variant interpretation guidelines (Richards et al. 2015 PMID: 25741868, with internal and published modifications).